The following is an entry in ClinVar:

ClinVar aggregate classification (germline): Uncertain significance (1 of 4 stars; one submission).

Conditions:
Charcot-Marie-Tooth disease type 2E (CMT2E). Also called: CHARCOT-MARIE-TOOTH DISEASE, AXONAL, TYPE 2E; CHARCOT-MARIE-TOOTH NEUROPATHY, TYPE 2E. Identifiers: Orphanet 99939, MedGen C1843225, MONDO:0011894, OMIM 607684.

Submission:

Labcorp Genetics (formerly Invitae), Labcorp
Classification: Uncertain significance for Charcot-Marie-Tooth disease type 2E. Last evaluated: 2022-05-29. Review status: criteria provided, single submitter. Criteria: Invitae Variant Classification Sherloc (09022015). Collection method: clinical testing. Allele origin: germline.
Comment: This sequence change replaces serine, which is neutral and polar, with asparagine, which is neutral and polar, at codon 67 of the NEFL protein (p.Ser67Asn). This variant is not present in population databases (gnomAD no frequency). This variant has not been reported in the literature in individuals affected with NEFL-related conditions. Experimental studies and prediction algorithms are not available or were not evaluated, and the functional significance of this variant is currently unknown. In summary, the available evidence is currently insufficient to determine the role of this variant in disease. Therefore, it has been classified as a Variant of Uncertain Significance.

NM_006158.5(NEFL):c.200G>A (p.Ser67Asn)

Gene: NEFL (neurofilament light chain; minus strand). Cytogenetic location: 8p21.2.
Variant type: single nucleotide variant.
Coding change: c.200G>A on transcript NM_006158.5 (MANE Select); coding-DNA position 200, G replaced by A.
Protein change: p.Ser67Asn; replaces serine 67 with asparagine.
Molecular consequence: missense variant.
Genome position (GRCh38, 1-based): chr8:24,956,316, C>T on the plus strand (G>A on the coding strand, the complement: NEFL is on the minus strand). VCF-style: chr8-24956316-C-T. GRCh37 (hg19) VCF-style: chr8-24813830-C-T.
Other names: short protein forms S67N.
Identifiers: ClinVar variation 2103207 (VCV002103207.4), dbSNP rs2486888169, ClinGen allele CA370623212.
Genomic context (GRCh38, chr8:24,956,316, plus strand): 5'-CGGATGGACTTGAGGTCGTTGCTGATGGCGGCTACCTGGCTCAGGTCGAGGTTCTCCAGA[C>T]TGGGCATCAACGATCCAGAGCTGGAGGAGTAGCTGCGGCGCACGGACAGCGAGGAAGACA-3'
Protein context (NP_006149.2, residues 57-77): YSSSSGSLMP[Ser67Asn]LENLDLSQVA